The following is an entry in ClinVar:

ClinVar aggregate classification (germline): Uncertain significance (1 of 4 stars; one submission).

Allele frequency attached by ClinVar (database versions not stated): gnomAD exomes 0.00001; TOPMed 0.00001.
gnomAD v4.1: 11 of 1,609,136 alleles (0.00068%); highest among the groups gnomAD compares: Non-Finnish European, 0.00094%; no homozygotes.

Submission:

Labcorp Genetics (formerly Invitae), Labcorp
Classification: Uncertain significance. Last evaluated: 2022-02-24. Review status: criteria provided, single submitter. Criteria: Invitae Variant Classification Sherloc (09022015). Collection method: clinical testing. Allele origin: germline.
Comment: In summary, the available evidence is currently insufficient to determine the role of this variant in disease. Therefore, it has been classified as a Variant of Uncertain Significance. Algorithms developed to predict the effect of sequence changes on RNA splicing suggest that this variant may disrupt the consensus splice site. This variant has not been reported in the literature in individuals affected with TTLL5-related conditions. This variant is not present in population databases (gnomAD no frequency). This sequence change falls in intron 6 of the TTLL5 gene. It does not directly change the encoded amino acid sequence of the TTLL5 protein.

NM_015072.5(TTLL5):c.503-13A>G

Gene: TTLL5 (tubulin tyrosine ligase like 5; plus strand). Cytogenetic location: 14q24.3.
Variant type: single nucleotide variant.
Coding change: c.503-13A>G on transcript NM_015072.5 (MANE Select); 13 bases into the intron before coding-DNA position 503, A replaced by G.
Molecular consequence: intron variant.
Genome position (GRCh38, 1-based): chr14:75,699,175, A>G. VCF-style: chr14-75699175-A-G. GRCh37 (hg19) VCF-style: chr14-76165518-A-G.
Identifiers: ClinVar variation 1490529 (VCV001490529.6), dbSNP rs1886082268, ClinGen allele CA2147605121.